The following is an entry in ClinVar:

NM_014283.5(SUCO):c.2441T>C (p.Met814Thr)

Gene: SUCO (SUN domain containing ossification factor; plus strand). Cytogenetic location: 1q24.3.
Variant type: single nucleotide variant.
Coding change: c.2441T>C on transcript NM_014283.5 (MANE Select); coding-DNA position 2441, T replaced by C.
Protein change: p.Met814Thr; replaces methionine 814 with threonine.
Molecular consequence: missense variant. On other transcripts: intron variant (1).
Genome position (GRCh38, 1-based): chr1:172,589,542, T>C. VCF-style: chr1-172589542-T-C. GRCh37 (hg19) VCF-style: chr1-172558682-T-C.
Other names: c.752T>C, p.Met251Thr (NM_001282751.2); c.2894T>C, p.Met965Thr (NM_016227.4); c.1712+618T>C (NM_001282750.2); short protein forms M251T, M965T, M814T.
Identifiers: ClinVar variation 3709088 (VCV003709088.2).

ClinVar aggregate classification (germline): Uncertain significance (1 of 4 stars; one submission).

gnomAD v4.1: 2 of 1,613,650 alleles (0.00012%); highest among the groups gnomAD compares: Admixed American, 0.0017%; no homozygotes.

Submission:

Labcorp Genetics (formerly Invitae), Labcorp
Classification: Uncertain significance. Last evaluated: 2025-07-06. Review status: criteria provided, single submitter. Criteria: Invitae Variant Classification Sherloc (09022015). Collection method: clinical testing. Allele origin: germline.
Comment: This sequence change replaces methionine, which is neutral and non-polar, with threonine, which is neutral and polar, at codon 814 of the SUCO protein (p.Met814Thr). This variant is present in population databases (no rsID available, gnomAD no frequency). This variant has not been reported in the literature in individuals affected with SUCO-related conditions. ClinVar contains an entry for this variant (Variation ID: 3709088). An algorithm developed to predict the effect of missense changes on protein structure and function outputs the following: PolyPhen-2: "Benign". The threonine amino acid residue is found in multiple mammalian species, which suggests that this missense change does not adversely affect protein function. In summary, the available evidence is currently insufficient to determine the role of this variant in disease. Therefore, it has been classified as a Variant of Uncertain Significance.